The following is an entry in ClinVar:

ClinVar aggregate classification (germline): Uncertain significance (1 of 4 stars; one submission).

Conditions:
Niemann-Pick disease, type B. Also called: Chronic Visceral ASMD (Niemann-Pick Disease Type B; NPD-B). Identifiers: Orphanet 77293, MedGen C0268243, MONDO:0011871, OMIM 607616. Disease mechanism: loss of function.
Niemann-Pick disease, type A. Also called: SPHINGOMYELIN LIPIDOSIS; SPHINGOMYELINASE DEFICIENCY; Infantile Neurovisceral ASMD (Niemann-Pick Disease Type A; NPD-A). Identifiers: Orphanet 77292, MedGen C0268242, MONDO:0009756, OMIM 257200. Disease mechanism: loss of function.

Submission:

Labcorp Genetics (formerly Invitae), Labcorp
Classification: Uncertain significance for Niemann-Pick disease, type B; Niemann-Pick disease, type A. Last evaluated: 2020-03-04. Review status: criteria provided, single submitter. Criteria: Invitae Variant Classification Sherloc (09022015). Collection method: clinical testing. Allele origin: germline.
Comment: This variant has not been reported in the literature in individuals with SMPD1-related conditions. In summary, the available evidence is currently insufficient to determine the role of this variant in disease. Therefore, it has been classified as a Variant of Uncertain Significance. Algorithms developed to predict the effect of missense changes on protein structure and function are either unavailable or do not agree on the potential impact of this missense change (SIFT: "Tolerated"; PolyPhen-2: "Probably Damaging"; Align-GVGD: "Class C0"). This variant is not present in population databases (ExAC no frequency). This sequence change replaces arginine with proline at codon 443 of the SMPD1 protein (p.Arg443Pro). The arginine residue is moderately conserved and there is a moderate physicochemical difference between arginine and proline.

NM_000543.5(SMPD1):c.1328G>C (p.Arg443Pro)

Gene: SMPD1 (sphingomyelin phosphodiesterase 1; plus strand). Cytogenetic location: 11p15.4.
Variant type: single nucleotide variant.
Coding change: c.1328G>C on transcript NM_000543.5 (MANE Select); coding-DNA position 1328, G replaced by C.
Protein change: p.Arg443Pro; replaces arginine 443 with proline.
Molecular consequence: missense variant. On other transcripts: non-coding transcript variant (2).
Genome position (GRCh38, 1-based): chr11:6,393,681, G>C. VCF-style: chr11-6393681-G-C. GRCh37 (hg19) VCF-style: chr11-6414911-G-C.
Other names: c.1325G>C, p.Arg442Pro (NM_001007593.3); c.1328G>C, p.Arg443Pro (NM_001318087.2); c.407G>C, p.Arg136Pro (NM_001318088.2); c.1196G>C, p.Arg399Pro (NM_001365135.2); short protein forms R442P, R443P, R136P, R399P.
Identifiers: ClinVar variation 1052225 (VCV001052225.7), dbSNP rs377609894, ClinGen allele CA379374550.